The following is an entry in ClinVar:

ClinVar aggregate classification (germline): Uncertain significance. Review status: criteria provided, multiple submitters, no conflicts (2 of 4 stars). 2 submissions from 2 submitters: Uncertain significance (2). Last evaluated 2025-01-27.

Allele frequency attached by ClinVar (database versions not stated): gnomAD exomes below 0.00001; ExAC 0.00001; gnomAD 0.00002; TOPMed 0.00003.
gnomAD v4.1: 8 of 1,614,086 alleles (0.0005%); highest among the groups gnomAD compares: Non-Finnish European, 0.00068%; no homozygotes.

Submissions (2):

Ambry Genetics
Classification: Uncertain significance. Last evaluated: 2025-01-27. Review status: criteria provided, single submitter. Criteria: Ambry Variant Classification Scheme 2023. Collection method: clinical testing. Allele origin: germline.

Labcorp Genetics (formerly Invitae), Labcorp
Classification: Uncertain significance. Last evaluated: 2022-06-09. Review status: criteria provided, single submitter. Criteria: Invitae Variant Classification Sherloc (09022015). Collection method: clinical testing. Allele origin: germline.
Comment: In summary, the available evidence is currently insufficient to determine the role of this variant in disease. Therefore, it has been classified as a Variant of Uncertain Significance. Algorithms developed to predict the effect of missense changes on protein structure and function output the following: SIFT: "Tolerated"; PolyPhen-2: "Benign"; Align-GVGD: "Class C0". The serine amino acid residue is found in multiple mammalian species, which suggests that this missense change does not adversely affect protein function. This variant has not been reported in the literature in individuals affected with ATRN-related conditions. This variant is not present in population databases (gnomAD no frequency). This sequence change replaces asparagine, which is neutral and polar, with serine, which is neutral and polar, at codon 1035 of the ATRN protein (p.Asn1035Ser).

NM_139321.3(ATRN):c.3104A>G (p.Asn1035Ser)

Gene: ATRN (attractin; plus strand). Cytogenetic location: 20p13.
Variant type: single nucleotide variant.
Coding change: c.3104A>G on transcript NM_139321.3 (MANE Select); coding-DNA position 3104, A replaced by G.
Protein change: p.Asn1035Ser; replaces asparagine 1035 with serine.
Molecular consequence: missense variant.
Genome position (GRCh38, 1-based): chr20:3,584,800, A>G. VCF-style: chr20-3584800-A-G. GRCh37 (hg19) VCF-style: chr20-3565447-A-G.
Other names: c.2756A>G, p.Asn919Ser (NM_001207047.3); c.3104A>G, p.Asn1035Ser (NM_001323332.2, NM_139322.4); c.3104A>G (NM_139321.2); short protein forms N1035S, N919S.
Identifiers: ClinVar variation 1895985 (VCV001895985.6), dbSNP rs781741283, ClinGen allele CA9744431.